The following is an entry in ClinVar:

NM_001164508.2(NEB):c.18808dup (p.Arg6270fs)

Gene: NEB (nebulin; minus strand). Cytogenetic location: 2q23.3.
Variant type: Duplication.
Coding change: c.18808dup on transcript NM_001164508.2 (MANE Select); coding-DNA position 18808, one base duplicated (C; older notation c.18808dupC).
Protein change: p.Arg6270fs; shifts the reading frame from arginine 6270.
Molecular consequence: frameshift variant.
Genome position (GRCh38, 1-based): chr2:151,562,694, G duplicated on the plus strand (C on the coding strand, the reverse complement: NEB is on the minus strand). VCF-style (leftmost placement, unchanged base first): chr2-151562693-C-CG. GRCh37 (hg19) VCF-style: chr2-152419207-C-CG.
Other names: c.18808dup, p.Arg6270fs (NM_001164507.2, NM_001271208.2); c.13705dup, p.Arg4569fs (NM_004543.5); short protein forms R4569fs, R6270fs.
Identifiers: ClinVar variation 5013382 (VCV005013382.1).

ClinVar aggregate classification (germline): Pathogenic (1 of 4 stars; one submission).

Conditions:
Nemaline myopathy 2 (NEM2). Also called: Nemaline myopathy 2, autosomal recessive. Identifiers: MedGen C1850569, MONDO:0009725, OMIM 256030.

Submission:

Myriad Genetics, Inc.
Classification: Pathogenic for Nemaline myopathy 2. Last evaluated: 2024-07-27. Review status: criteria provided, single submitter. Criteria: Myriad Autosomal Dominant, Autosomal Recessive and X-Linked Classification Criteria (2023). Collection method: clinical testing. Allele origin: unknown.
Comment: NM_001271208.1(NEB):c.18808dupC(R6270Pfs*28) is expected to be pathogenic in the context of NEB-related nemaline myopathy. This variant is predicted to lead to an abnormal or absent protein product due to the creation of a premature termination codon in NEB, a gene where loss-of-function variants are known to be pathogenic. Please note: this variant was assessed in the context of healthy population screening.